The following is an entry in ClinVar:

NM_001846.4(COL4A2):c.3446G>A (p.Gly1149Glu)

Gene: COL4A2 (collagen type IV alpha 2 chain; plus strand). Cytogenetic location: 13q34.
Variant type: single nucleotide variant.
Coding change: c.3446G>A on transcript NM_001846.4 (MANE Select); coding-DNA position 3446, G replaced by A.
Protein change: p.Gly1149Glu; replaces glycine 1149 with glutamic acid.
Molecular consequence: missense variant.
Genome position (GRCh38, 1-based): chr13:110,491,332, G>A. VCF-style: chr13-110491332-G-A. GRCh37 (hg19) VCF-style: chr13-111143679-G-A.
Other names: short protein forms G1149E.
Identifiers: ClinVar variation 4746341 (VCV004746341.1).

ClinVar aggregate classification (germline): Likely pathogenic (1 of 4 stars; one submission).

Submission:

Labcorp Genetics (formerly Invitae), Labcorp
Classification: Likely pathogenic. Last evaluated: 2026-01-27. Review status: criteria provided, single submitter. Criteria: Invitae Variant Classification Sherloc (09022015). Collection method: clinical testing. Allele origin: germline.
Comment: This sequence change replaces glycine, which is neutral and non-polar, with glutamic acid, which is acidic and polar, at codon 1149 of the COL4A2 protein (p.Gly1149Glu). This variant is not present in population databases (gnomAD no frequency). This missense change has been observed in individual(s) with clinical features of COL4A2-related conditions (internal data). In at least one individual the variant was observed to be de novo. Invitae Evidence Modeling of protein sequence and biophysical properties (such as structural, functional, and spatial information, amino acid conservation, physicochemical variation, residue mobility, and thermodynamic stability) indicates that this missense variant is not expected to disrupt COL4A2 protein function with a negative predictive value of 95%. In summary, the currently available evidence indicates that the variant is pathogenic, but additional data are needed to prove that conclusively. Therefore, this variant has been classified as Likely Pathogenic.